The following is an entry in ClinVar:

ClinVar aggregate classification (germline): Uncertain significance (1 of 4 stars; one submission).

Conditions:
Mitochondrial hypertrophic cardiomyopathy with lactic acidosis due to MTO1 deficiency. Also called: Combined oxidative phosphorylation deficiency 10; CARDIOMYOPATHY, INFANTILE HYPERTROPHIC MITOCHONDRIAL, AND LACTIC ACIDOSIS. Identifiers: Orphanet 314637, MedGen C4749921, MONDO:0013865, OMIM 614702.

Allele frequency attached by ClinVar (database versions not stated): gnomAD exomes 0.00002; gnomAD 0.00001; ExAC 0.00002.
gnomAD v4.1: 32 of 1,613,796 alleles (0.002%); highest among the groups gnomAD compares: East Asian, 0.071%; no homozygotes.

Submission:

Labcorp Genetics (formerly Invitae), Labcorp
Classification: Uncertain significance for Mitochondrial hypertrophic cardiomyopathy with lactic acidosis due to MTO1 deficiency. Last evaluated: 2022-03-10. Review status: criteria provided, single submitter. Criteria: Invitae Variant Classification Sherloc (09022015). Collection method: clinical testing. Allele origin: germline.
Comment: This sequence change replaces leucine, which is neutral and non-polar, with phenylalanine, which is neutral and non-polar, at codon 296 of the MTO1 protein (p.Leu296Phe). This variant is present in population databases (rs773180218, gnomAD 0.02%). This variant has not been reported in the literature in individuals affected with MTO1-related conditions. Algorithms developed to predict the effect of missense changes on protein structure and function are either unavailable or do not agree on the potential impact of this missense change (SIFT: "Tolerated"; PolyPhen-2: "Possibly Damaging"; Align-GVGD: "Class C0"). In summary, the available evidence is currently insufficient to determine the role of this variant in disease. Therefore, it has been classified as a Variant of Uncertain Significance.

NM_012123.4(MTO1):c.886C>T (p.Leu296Phe)

Gene: MTO1 (mitochondrial tRNA translation optimization 1; plus strand). Cytogenetic location: 6q13.
Variant type: single nucleotide variant.
Coding change: c.886C>T on transcript NM_012123.4 (MANE Select); coding-DNA position 886, C replaced by T.
Protein change: p.Leu296Phe; replaces leucine 296 with phenylalanine.
Molecular consequence: missense variant.
Genome position (GRCh38, 1-based): chr6:73,479,792, C>T. VCF-style: chr6-73479792-C-T. GRCh37 (hg19) VCF-style: chr6-74189515-C-T.
Other names: c.886C>T, p.Leu296Phe (NM_001123226.2, NM_133645.3); short protein forms L296F.
Identifiers: ClinVar variation 2150606 (VCV002150606.1), dbSNP rs773180218, ClinGen allele CA3889469.